The following is an entry in ClinVar:

NM_000179.3(MSH6):c.2336G>T (p.Cys779Phe)

Gene: MSH6 (mutS homolog 6; plus strand). Cytogenetic location: 2p16.3.
Variant type: single nucleotide variant.
Coding change: c.2336G>T on transcript NM_000179.3 (MANE Select); coding-DNA position 2336, G replaced by T.
Protein change: p.Cys779Phe; replaces cysteine 779 with phenylalanine.
Molecular consequence: missense variant. On other transcripts: non-coding transcript variant (5), intron variant (3).
Genome position (GRCh38, 1-based): chr2:47,800,319, G>T. VCF-style: chr2-47800319-G-T. GRCh37 (hg19) VCF-style: chr2-48027458-G-T.
Other names: c.1946G>T, p.Cys649Phe (NM_001281492.2); c.1430G>T, p.Cys477Phe (NM_001281493.2, NM_001281494.2, NM_001406823.1 and 6 more transcripts); c.2432G>T, p.Cys811Phe (NM_001406795.1, NM_001406802.1); c.2336G>T, p.Cys779Phe (NM_001406796.1, NM_001406798.1, NM_001406800.1 and 2 more transcripts); c.2039G>T, p.Cys680Phe (NM_001406797.1, NM_001406801.1, NM_001406805.1 and 10 more transcripts); c.1811G>T, p.Cys604Phe (NM_001406799.1, NM_001406806.1, NM_001406807.1); c.2258G>T, p.Cys753Phe (NM_001406804.1); c.2168G>T, p.Cys723Phe (NM_001406826.1); and 4 more; short protein forms C604F, C680F, C723F, C753F, C781F, C477F, C649F, C779F.
Identifiers: ClinVar variation 2827169 (VCV002827169.3), dbSNP rs1669450482, ClinGen allele CA346753402.
Genomic context (GRCh38, chr2:47,800,319, plus strand): 5'-TAGAGAGGGTTGATACTTGCCATACTCCTTTTGGTAAGCGGCTCCTAAAGCAATGGCTTT[G>T]TGCCCCACTCTGTAACCATTATGCTATTAATGATCGTCTAGATGCCATAGAAGACCTCAT-3'
Protein context (NP_000170.1, residues 769-789): FGKRLLKQWL[Cys779Phe]APLCNHYAIN

ClinVar aggregate classification (germline): Uncertain significance (1 of 4 stars; one submission).

Conditions:
Hereditary nonpolyposis colorectal neoplasms. Identifiers: MedGen C0009405, MeSH D003123.

Submission:

Labcorp Genetics (formerly Invitae), Labcorp
Classification: Uncertain significance for Hereditary nonpolyposis colorectal neoplasms. Last evaluated: 2023-01-09. Review status: criteria provided, single submitter. Criteria: Invitae Variant Classification Sherloc (09022015). Collection method: clinical testing. Allele origin: germline.
Comment: In summary, the available evidence is currently insufficient to determine the role of this variant in disease. Therefore, it has been classified as a Variant of Uncertain Significance. Advanced modeling of protein sequence and biophysical properties (such as structural, functional, and spatial information, amino acid conservation, physicochemical variation, residue mobility, and thermodynamic stability) has been performed at Invitae for this missense variant, however the output from this modeling did not meet the statistical confidence thresholds required to predict the impact of this variant on MSH6 protein function. This variant has not been reported in the literature in individuals affected with MSH6-related conditions. This variant is not present in population databases (gnomAD no frequency). This sequence change replaces cysteine, which is neutral and slightly polar, with phenylalanine, which is neutral and non-polar, at codon 779 of the MSH6 protein (p.Cys779Phe).